The following is an entry in ClinVar:

NM_001853.4(COL9A3):c.1370G>C (p.Gly457Ala)

Genes: COL9A3 (collagen type IX alpha 3 chain; plus strand), LOC126863084 (MED14-independent group 3 enhancer GRCh37_chr20:61467141-61468340; plus strand). Cytogenetic location: 20q13.33.
Variant type: single nucleotide variant.
Coding change: c.1370G>C on transcript NM_001853.4 (MANE Select); coding-DNA position 1370, G replaced by C.
Protein change: p.Gly457Ala; replaces glycine 457 with alanine.
Molecular consequence: missense variant.
Genome position (GRCh38, 1-based): chr20:62,835,922, G>C. VCF-style: chr20-62835922-G-C. GRCh37 (hg19) VCF-style: chr20-61467274-G-C.
Other names: short protein forms G457A.
Identifiers: ClinVar variation 1947928 (VCV001947928.6), dbSNP rs974533776, ClinGen allele CA317342458.

ClinVar aggregate classification (germline): Uncertain significance. Review status: criteria provided, multiple submitters, no conflicts (2 of 4 stars). 2 submissions from 2 submitters: Uncertain significance (2). Last evaluated 2025-11-10.

Allele frequency attached by ClinVar (database versions not stated): gnomAD exomes below 0.00001; TOPMed 0.00002.
gnomAD v4.1: 2 of 1,614,226 alleles (0.00012%); highest among the groups gnomAD compares: Non-Finnish European, 0.00017%; no homozygotes.

Submissions (2):

Labcorp Genetics (formerly Invitae), Labcorp
Classification: Uncertain significance. Last evaluated: 2025-11-10. Review status: criteria provided, single submitter. Criteria: Invitae Variant Classification Sherloc (09022015). Collection method: clinical testing. Allele origin: germline.
Comment: This sequence change replaces glycine, which is neutral and non-polar, with alanine, which is neutral and non-polar, at codon 457 of the COL9A3 protein (p.Gly457Ala). This variant is present in population databases (no rsID available, gnomAD 0.0009%). This variant has not been reported in the literature in individuals affected with COL9A3-related conditions. ClinVar contains an entry for this variant (Variation ID: 1947928). An algorithm developed to predict the effect of missense changes on protein structure and function (PolyPhen-2) suggests that this variant is likely to be disruptive. In summary, the available evidence is currently insufficient to determine the role of this variant in disease. Therefore, it has been classified as a Variant of Uncertain Significance.

Blueprint Genetics
Classification: Uncertain significance. Last evaluated: 2018-06-05. Review status: criteria provided, single submitter. Criteria: ACMG Guidelines, 2015. Collection method: clinical testing. Allele origin: germline.